The following is an entry in ClinVar:

NM_018706.7(DHTKD1):c.1913T>C (p.Leu638Pro)

Gene: DHTKD1 (dehydrogenase E1 and transketolase domain containing 1; plus strand). Cytogenetic location: 10p14.
Variant type: single nucleotide variant.
Coding change: c.1913T>C on transcript NM_018706.7 (MANE Select); coding-DNA position 1913, T replaced by C.
Protein change: p.Leu638Pro; replaces leucine 638 with proline.
Molecular consequence: missense variant.
Genome position (GRCh38, 1-based): chr10:12,106,262, T>C. VCF-style: chr10-12106262-T-C. GRCh37 (hg19) VCF-style: chr10-12148261-T-C.
Other names: short protein forms L638P.
Identifiers: ClinVar variation 1975838 (VCV001975838.5), dbSNP rs1234316880, ClinGen allele CA376010978.

ClinVar aggregate classification (germline): Uncertain significance (1 of 4 stars; one submission).

Conditions:
2-aminoadipic 2-oxoadipic aciduria (AAKAD). Also called: Aminoadipic aciduria; ALPHA-AMINOADIPIC AND ALPHA-KETOADIPIC ACIDURIA. Identifiers: Orphanet 79154, MedGen C1859817, MONDO:0008774, OMIM 204750.

Submission:

Labcorp Genetics (formerly Invitae), Labcorp
Classification: Uncertain significance for 2-aminoadipic 2-oxoadipic aciduria. Last evaluated: 2022-10-04. Review status: criteria provided, single submitter. Criteria: Invitae Variant Classification Sherloc (09022015). Collection method: clinical testing. Allele origin: germline.
Comment: In summary, the available evidence is currently insufficient to determine the role of this variant in disease. Therefore, it has been classified as a Variant of Uncertain Significance. Advanced modeling of protein sequence and biophysical properties (such as structural, functional, and spatial information, amino acid conservation, physicochemical variation, residue mobility, and thermodynamic stability) performed at Invitae indicates that this missense variant is expected to disrupt DHTKD1 protein function. This variant has not been reported in the literature in individuals affected with DHTKD1-related conditions. This variant is not present in population databases (gnomAD no frequency). This sequence change replaces leucine, which is neutral and non-polar, with proline, which is neutral and non-polar, at codon 638 of the DHTKD1 protein (p.Leu638Pro).